The following is an entry in ClinVar:

ClinVar aggregate classification (germline): Uncertain significance (1 of 4 stars; one submission).

Submission:

Ambry Genetics
Classification: Uncertain significance. Last evaluated: 2019-12-03. Review status: criteria provided, single submitter. Criteria: Ambry Variant Classification Scheme 2023. Collection method: clinical testing. Allele origin: germline.
Comment: The c.4_5insTG variant, located in coding exon 1 of the GALNT12 gene, results from an insertion of two nucleotides at position 4, causing a translational frameshift with a predicted alternate stop codon (p.W2Lfs*142). This alteration is expected to result in loss of function by premature protein truncation or nonsense-mediated mRNA decay. However, loss of function of GALNT12 has not been clearly established as a mechanism of disease. Since supporting evidence is limited at this time, the clinical significance of this alteration remains unclear.

NM_024642.5(GALNT12):c.4_5insTG (p.Trp2fs)

Gene: GALNT12 (polypeptide N-acetylgalactosaminyltransferase 12; plus strand). Cytogenetic location: 9q22.33.
Variant type: Insertion.
Coding change: c.4_5insTG on transcript NM_024642.5 (MANE Select); coding-DNA positions 4 to 5, TG inserted.
Protein change: p.Trp2fs; shifts the reading frame from tryptophan 2.
Molecular consequence: frameshift variant.
Genome position: GRCh38 VCF-style: chr9-98807702-T-TTG. GRCh37 (hg19) VCF-style: chr9-101569984-T-TTG.
Other names: short protein forms W2fs.
Identifiers: ClinVar variation 1736920 (VCV001736920.2), dbSNP rs2490454504, ClinGen allele CA2580080816.